The following is an entry in ClinVar:

NM_000091.5(COL4A3):c.1223G>A (p.Arg408His)

Genes: COL4A3 (collagen type IV alpha 3 chain; plus strand), MFF-DT (MFF divergent transcript; minus strand). Cytogenetic location: 2q36.3.
Variant type: single nucleotide variant.
Coding change: c.1223G>A on transcript NM_000091.5 (MANE Select); coding-DNA position 1223, G replaced by A.
Protein change: p.Arg408His; replaces arginine 408 with histidine.
Molecular consequence: missense variant.
Genome position (GRCh38, 1-based): chr2:227,263,852, G>A. VCF-style: chr2-227263852-G-A. GRCh37 (hg19) VCF-style: chr2-228128568-G-A.
Other names: short protein forms R408H.
Identifiers: ClinVar variation 254977 (VCV000254977.36), dbSNP rs34505188, ClinGen allele CA2146585.

ClinVar aggregate classification (germline): Benign. Review status: criteria provided, multiple submitters, no conflicts (2 of 4 stars). 13 submissions from 13 submitters: Benign (12). 1 of the submissions does not count toward it. Last evaluated 2026-02-04.

Conditions:
Alport syndrome. Also called: Hemorrhagic familial nephritis; Hemorrhagic hereditary nephritis; Congenital hereditary hematuria. Identifiers: Orphanet 63, MedGen C1567741, MONDO:0018965.
Autosomal recessive Alport syndrome (ATS2). Also called: ALPORT SYNDROME 2, AUTOSOMAL RECESSIVE; Alport syndrome type 2; COL4A4 Alport Syndrome and Thin Basement Membrane Nephropathy; COL4A3-Related Nephropathy. Identifiers: Orphanet 63, Orphanet 88919, MedGen C4746745, MONDO:0008762, OMIM 203780.

Allele frequency attached by ClinVar (database versions not stated): ESP Exome Variant Server 0.06326; gnomAD 0.06909 and 0.07251; TOPMed 0.07569; gnomAD exomes 0.07841 and 0.09434; ExAC 0.09104; 1000 Genomes Project 30x 0.09978; 1000 Genomes Project 0.10064.

Submissions (13):

Labcorp Genetics (formerly Invitae), Labcorp
Classification: Benign. Last evaluated: 2026-02-04. Review status: criteria provided, single submitter. Criteria: Invitae Variant Classification Sherloc (09022015). Collection method: clinical testing. Allele origin: germline.

ARUP Laboratories, Molecular Genetics and Genomics, ARUP Laboratories
Classification: Benign. Last evaluated: 2025-05-14. Review status: criteria provided, single submitter. Criteria: ARUP Molecular Germline Variant Investigation Process 2024. Collection method: clinical testing. Allele origin: germline.

Blueprint Genetics
Classification: Benign. Last evaluated: 2024-11-26. Review status: criteria provided, single submitter. Criteria: ACMG Guidelines, 2015. Collection method: clinical testing. Allele origin: germline.

Unidad de Genómica Garrahan, Hospital de Pediatría Garrahan
Classification: Benign. Last evaluated: 2024-07-15. Review status: criteria provided, single submitter. Criteria: ACMG Guidelines, 2015. Collection method: clinical testing. Allele origin: germline. Affected: no. Observed: 26 variant alleles.
Comment: This variant is classified as Benign based on local population frequency. This variant was detected in 28% of patients studied in a panel designed for Epileptic and Developmental Encephalopathy and Progressive Myoclonus Epilepsy. Number of patients: 26. Only high quality variants are reported.

Mayo Clinic Laboratories, Mayo Clinic
Classification: Benign. Last evaluated: 2022-10-19. Review status: criteria provided, single submitter. Criteria: ACMG Guidelines, 2015. Collection method: clinical testing. Allele origin: germline. Observed: 67 variant alleles.
Comment: BA1, BS2

Genome-Nilou Lab
Classification: Benign for Autosomal recessive Alport syndrome. Last evaluated: 2021-06-10. Review status: criteria provided, single submitter. Criteria: ACMG Guidelines, 2015. Collection method: clinical testing. Allele origin: germline. Affected: no.

Athena Diagnostics
Classification: Benign. Last evaluated: 2021-04-22. Review status: criteria provided, single submitter. Criteria: Athena Diagnostics Criteria. Collection method: clinical testing. Allele origin: unknown.

Illumina Laboratory Services, Illumina
Classification: Benign for Alport syndrome. Last evaluated: 2018-01-12. Review status: criteria provided, single submitter. Criteria: ICSL Variant Classification Criteria 13 December 2019. Collection method: clinical testing. Allele origin: germline.
Comment: This variant was observed in the ICSL laboratory as part of a predisposition screen in an ostensibly healthy population. It had not been previously curated by ICSL or reported in the Human Gene Mutation Database (HGMD: prior to June 1st, 2018), and was therefore a candidate for classification through an automated scoring system. Utilizing variant allele frequency, disease prevalence and penetrance estimates, and inheritance mode, an automated score was calculated to assess if this variant is too frequent to cause the disease. Based on the score and internal cut-off values, a variant classified as benign is not then subjected to further curation. The score for this variant resulted in a classification of benign for this disease.

GeneDx
Classification: Benign. Last evaluated: 2017-08-22. Review status: criteria provided, single submitter. Criteria: GeneDx Variant Classification (06012015). Collection method: clinical testing. Allele origin: germline. Affected: yes.
Comment: This variant is considered likely benign or benign based on one or more of the following criteria: it is a conservative change, it occurs at a poorly conserved position in the protein, it is predicted to be benign by multiple in silico algorithms, and/or has population frequency not consistent with disease.

Laboratory for Molecular Medicine, Mass General Brigham Personalized Medicine
Classification: Benign. Last evaluated: 2016-03-21. Review status: criteria provided, single submitter. Criteria: LMM Criteria. Collection method: clinical testing. Allele origin: germline. Observed: 56 variant alleles.
Comment: p.Arg408His in exon 21 of COL4A3: This variant is not expected to have clinical significance because it has been identified in 17.54% (2026/11552) of Latino chr omosomes by the Exome Aggregation Consortium (ExAC, rg; dbSNP rs34505188).

Breakthrough Genomics
Classification: Benign. Review status: criteria provided, single submitter. Criteria: ACMG Guidelines, 2015. Collection method: not provided. Allele origin: germline. Inheritance: Autosomal recessive inheritance. Affected: yes.

PreventionGenetics, part of Exact Sciences
Classification: Benign. Review status: criteria provided, single submitter. Criteria: ACMG Guidelines, 2015. Collection method: clinical testing. Allele origin: germline.

Natera, Inc.
Classification: Benign for Alport syndrome. Last evaluated: 2020-09-16. Review status: no assertion criteria provided. Collection method: clinical testing. Allele origin: germline. Not counted in ClinVar's aggregate classification.